The following is an entry in ClinVar:

ClinVar aggregate classification (germline): Pathogenic (1 of 4 stars; one submission).

Conditions:
Hereditary breast ovarian cancer syndrome. Also called: BRCA1- and BRCA2-Associated Hereditary Breast and Ovarian Cancer; Breast and ovarian cancer; Hereditary breast and ovarian cancer syndrome (HBOC); Hereditary breast and ovarian cancer syndrome; Hereditary breast and/or ovarian cancer syndrome; Hereditary breast and ovarian cancer. Identifiers: Orphanet 145, MedGen C0677776, MeSH D061325, MONDO:0003582. Disease mechanism: loss of function.

Submission:

Labcorp Genetics (formerly Invitae), Labcorp
Classification: Pathogenic for Hereditary breast ovarian cancer syndrome. Last evaluated: 2024-05-31. Review status: criteria provided, single submitter. Criteria: Invitae Variant Classification Sherloc (09022015). Collection method: clinical testing. Allele origin: germline.
Comment: This sequence change creates a premature translational stop signal (p.Arg2027Lysfs*13) in the BRCA2 gene. It is expected to result in an absent or disrupted protein product. Loss-of-function variants in BRCA2 are known to be pathogenic (PMID: 20104584). This variant is not present in population databases (gnomAD no frequency). This variant has not been reported in the literature in individuals affected with BRCA2-related conditions. For these reasons, this variant has been classified as Pathogenic.

Literature cited by the submitters: PubMed 20104584.

NM_000059.4(BRCA2):c.6080del (p.Arg2027fs)

Gene: BRCA2 (BRCA2 DNA repair associated; plus strand). Cytogenetic location: 13q13.1.
Variant type: Deletion.
Coding change: c.6080del on transcript NM_000059.4 (MANE Select); coding-DNA position 6080, one base deleted (G; older notation c.6080delG).
Protein change: p.Arg2027fs; shifts the reading frame from arginine 2027.
Molecular consequence: frameshift variant. On other transcripts: non-coding transcript variant (1), intron variant (2).
Genome position (GRCh38, 1-based): chr13:32,340,435, G deleted. VCF-style (leftmost placement, unchanged base first): chr13-32340434-AG-A. GRCh37 (hg19) VCF-style: chr13-32914571-AG-A.
Other names: c.6080del, p.Arg2027fs (NM_001406719.1, NM_001406720.1, NM_001432077.1); c.1910-4123del (NM_001406721.1); c.425-4123del (NM_001406722.1); short protein forms R2027fs.
Identifiers: ClinVar variation 3655214 (VCV003655214.2).